The following is an entry in ClinVar:

NM_004336.5(BUB1):c.932T>C (p.Leu311Pro)

Gene: BUB1 (BUB1 mitotic checkpoint serine/threonine kinase; minus strand). Cytogenetic location: 2q13.
Variant type: single nucleotide variant.
Coding change: c.932T>C on transcript NM_004336.5 (MANE Select); coding-DNA position 932, T replaced by C.
Protein change: p.Leu311Pro; replaces leucine 311 with proline.
Molecular consequence: missense variant.
Genome position (GRCh38, 1-based): chr2:110,666,288, A>G on the plus strand (T>C on the coding strand, the complement: BUB1 is on the minus strand). VCF-style: chr2-110666288-A-G. GRCh37 (hg19) VCF-style: chr2-111423865-A-G.
Other names: c.872T>C, p.Leu291Pro (NM_001278616.2); c.932T>C, p.Leu311Pro (NM_001278617.2); short protein forms L291P, L311P.
Identifiers: ClinVar variation 2586168 (VCV002586168.2), dbSNP rs541607474, ClinGen allele CA1828214.

ClinVar aggregate classification (germline): Uncertain significance (1 of 4 stars; one submission).

Allele frequency attached by ClinVar (database versions not stated): ExAC 0.00001; gnomAD 0.00001; 1000 Genomes Project 30x 0.00016; 1000 Genomes Project 0.00020.

Submission:

Ambry Genetics
Classification: Uncertain significance. Last evaluated: 2023-09-10. Review status: criteria provided, single submitter. Criteria: Ambry Variant Classification Scheme 2023. Collection method: clinical testing. Allele origin: germline.
Comment: The p.L311P variant (also known as c.932T>C), located in coding exon 9 of the BUB1 gene, results from a T to C substitution at nucleotide position 932. The leucine at codon 311 is replaced by proline, an amino acid with similar properties. This amino acid position is conserved. In addition, this alteration is predicted to be tolerated by in silico analysis. Since supporting evidence is limited at this time, the clinical significance of this alteration remains unclear.